The following is an entry in ClinVar:

NM_025243.4(SLC19A3):c.1315-123C>T

Gene: SLC19A3 (solute carrier family 19 member 3; minus strand). Cytogenetic location: 2q36.3.
Variant type: single nucleotide variant.
Coding change: c.1315-123C>T on transcript NM_025243.4 (MANE Select); 123 bases into the intron before coding-DNA position 1315, C replaced by T.
Molecular consequence: intron variant.
Genome position (GRCh38, 1-based): chr2:227,687,696, G>A on the plus strand (C>T on the coding strand, the complement: SLC19A3 is on the minus strand). VCF-style: chr2-227687696-G-A. GRCh37 (hg19) VCF-style: chr2-228552412-G-A.
Identifiers: ClinVar variation 676328 (VCV000676328.1), dbSNP rs76072698, ClinGen allele CA66655450.

ClinVar aggregate classification (germline): Benign (1 of 4 stars; one submission).

Allele frequency attached by ClinVar (database versions not stated): gnomAD exomes 0.00289; gnomAD 0.02816 and 0.03025; TOPMed 0.03080; 1000 Genomes Project 0.03355; 1000 Genomes Project 30x 0.03732.
gnomAD v4.1: 6,610 of 912,282 alleles (0.72%); highest among the groups gnomAD compares: African/African-American, 9.6%; 298 homozygotes.

Submission:

GeneDx
Classification: Benign. Last evaluated: 2018-06-16. Review status: criteria provided, single submitter. Criteria: GeneDx Variant Classification (06012015). Collection method: clinical testing. Allele origin: germline. Affected: yes.
Comment: This variant is considered likely benign or benign based on one or more of the following criteria: it is a conservative change, it occurs at a poorly conserved position in the protein, it is predicted to be benign by multiple in silico algorithms, and/or has population frequency not consistent with disease.